The following is an entry in ClinVar:

ClinVar aggregate classification (germline): Uncertain significance (1 of 4 stars; one submission).

Submission:

Labcorp Genetics (formerly Invitae), Labcorp
Classification: Uncertain significance. Last evaluated: 2026-01-27. Review status: criteria provided, single submitter. Criteria: Invitae Variant Classification Sherloc (09022015). Collection method: clinical testing. Allele origin: germline.
Comment: This sequence change replaces asparagine, which is neutral and polar, with aspartic acid, which is acidic and polar, at codon 187 of the IMPDH1 protein (p.Asn187Asp). This variant is not present in population databases (gnomAD no frequency). This variant has not been reported in the literature in individuals affected with IMPDH1-related conditions. An algorithm developed to predict the effect of missense changes on protein structure and function (PolyPhen-2) suggests that this variant is likely to be tolerated. In summary, the available evidence is currently insufficient to determine the role of this variant in disease. Therefore, it has been classified as a Variant of Uncertain Significance.

NM_000883.4(IMPDH1):c.559A>G (p.Asn187Asp)

Gene: IMPDH1 (inosine monophosphate dehydrogenase 1; minus strand). Cytogenetic location: 7q32.1.
Variant type: single nucleotide variant.
Coding change: c.559A>G on transcript NM_000883.4 (MANE Select); coding-DNA position 559, A replaced by G.
Protein change: p.Asn187Asp; replaces asparagine 187 with aspartic acid.
Molecular consequence: missense variant. On other transcripts: intron variant (1).
Genome position (GRCh38, 1-based): chr7:128,400,837, T>C on the plus strand (A>G on the coding strand, the complement: IMPDH1 is on the minus strand). VCF-style: chr7-128400837-T-C. GRCh37 (hg19) VCF-style: chr7-128040891-T-C.
Other names: c.529A>G, p.Asn177Asp (NM_001102605.2); c.304A>G, p.Asn102Asp (NM_001142573.2, NM_001142574.2); c.460A>G, p.Asn154Asp (NM_001142576.2); c.352A>G, p.Asn118Asp (NM_001304521.2); c.451A>G, p.Asn151Asp (NM_183243.3); c.249+178A>G (NM_001142575.2); short protein forms N102D, N154D, N187D, N118D, N151D, N177D.
Identifiers: ClinVar variation 4727980 (VCV004727980.1).
Genomic context (GRCh38, chr7:128,400,837, plus strand): 5'-TGCCAGGTGGCATCTTGCTGGGGACAGGCCTGGTACTTGCCTTGACCTTCCGCACCTCGT[T>C]GGCCTGGAACTCTGGGGTGCAGTTGTGGTGAATGAAACCAATACCTCCCATCAGCTGATG-3'
Protein context (NP_000874.2, residues 177-197): HHNCTPEFQA[Asn187Asp]EVRKVKKFEQ